The following is an entry in ClinVar:

NM_001020658.2(PUM1):c.106GTT[1] (p.Val37del)

Gene: PUM1 (pumilio RNA binding family member 1; minus strand). Cytogenetic location: 1p35.2.
Variant type: Microsatellite.
Coding change: c.106GTT[1] on transcript NM_001020658.2 (MANE Select); one copy of the 3-base unit GTT starting at c.106; the reference has two copies in a row; one copy, 3 bases deleted.
Protein change: p.Val37del; deletes valine 37.
Molecular consequence: inframe deletion.
Genome position (GRCh38, 1-based): chr1:31,059,456-31,059,458, AAC deleted on the plus strand (GTT on the coding strand, the reverse complement: PUM1 is on the minus strand); deleting any 3 consecutive bases within chr1:31,059,456-31,059,462 gives the same sequence; the position shown is the placement nearest the transcript's 3' end. VCF-style (leftmost placement, unchanged base first): chr1-31059455-AAAC-A. GRCh37 (hg19) VCF-style: chr1-31532302-AAAC-A.
Other names: c.106GTT[1], p.Val37del (NM_014676.3); short protein forms V37del.
Identifiers: ClinVar variation 4891497 (VCV004891497.1).

ClinVar aggregate classification (germline): Uncertain significance (1 of 4 stars; one submission).

Submission:

GeneDx
Classification: Uncertain significance. Last evaluated: 2026-02-07. Review status: criteria provided, single submitter. Criteria: GeneDx Variant Classification Process June 2021. Collection method: clinical testing. Allele origin: germline.
Comment: Not observed at significant frequency in large population cohorts (gnomAD); In-frame deletion of 1 amino acid(s) in a non-repeat region; In silico analysis supports a deleterious effect on protein structure/function; Has not been previously published as pathogenic or benign to our knowledge